The following is an entry in ClinVar:

NM_001042492.3(NF1):c.1153C>T (p.Arg385Cys)

Gene: NF1 (neurofibromin 1; plus strand). Cytogenetic location: 17q11.2.
Variant type: single nucleotide variant.
Coding change: c.1153C>T on transcript NM_001042492.3 (MANE Select); coding-DNA position 1153, C replaced by T.
Protein change: p.Arg385Cys; replaces arginine 385 with cysteine.
Molecular consequence: missense variant.
Genome position (GRCh38, 1-based): chr17:31,201,127, C>T. VCF-style: chr17-31201127-C-T. GRCh37 (hg19) VCF-style: chr17-29528145-C-T.
Other names: c.1153C>T, p.Arg385Cys (NM_000267.4, NM_001128147.3); short protein forms R385C.
Identifiers: ClinVar variation 485931 (VCV000485931.13), dbSNP rs1322986962, ClinGen allele CA398997152.

ClinVar aggregate classification (germline): Conflicting classifications of pathogenicity. Review status: criteria provided, conflicting classifications (1 of 4 stars). 4 submissions from 4 submitters: Uncertain significance (3); Likely benign (1). Last evaluated 2026-02-20.

Conditions:
Hereditary cancer-predisposing syndrome. Also called: Neoplastic Syndromes, Hereditary; Hereditary Cancer Syndrome; Tumor predisposition; Hereditary neoplastic syndrome. Identifiers: Orphanet 140162, MedGen C0027672, MeSH D009386, MONDO:0015356.
Neurofibromatosis, type 1 (NF1). Also called: VON RECKLINGHAUSEN DISEASE; NEUROFIBROMATOSIS, TYPE I, SOMATIC; Peripheral type neurofibromatosis; Neurofibromatosis, type I. Identifiers: Orphanet 636, MedGen C0027831, MONDO:0018975, OMIM 162200. Disease mechanism: loss of function.

Allele frequency attached by ClinVar (database versions not stated): gnomAD 0.00001; gnomAD exomes below 0.00001; TOPMed below 0.00001.
gnomAD v4.1: 2 of 1,613,950 alleles (0.00012%); highest among the groups gnomAD compares: Admixed American, 0.0017%; no homozygotes.

Submissions (4):

GeneDx
Classification: Uncertain significance. Last evaluated: 2026-02-20. Review status: criteria provided, single submitter. Criteria: GeneDx Variant Classification Process June 2021. Collection method: clinical testing. Allele origin: germline.
Comment: Not observed at significant frequency in large population cohorts (gnomAD); In silico analysis supports that this missense variant has a deleterious effect on protein structure/function; Has not been previously published as pathogenic or benign to our knowledge

Labcorp Genetics (formerly Invitae), Labcorp
Classification: Likely benign for Neurofibromatosis, type 1. Last evaluated: 2025-07-18. Review status: criteria provided, single submitter. Criteria: Invitae Variant Classification Sherloc (09022015). Collection method: clinical testing. Allele origin: germline.

Genome-Nilou Lab
Classification: Uncertain significance for Neurofibromatosis, type 1. Last evaluated: 2022-03-15. Review status: criteria provided, single submitter. Criteria: ACMG Guidelines, 2015. Collection method: clinical testing. Allele origin: germline. Affected: no.

Ambry Genetics
Classification: Uncertain significance for Hereditary cancer-predisposing syndrome. Last evaluated: 2015-11-16. Review status: criteria provided, single submitter. Criteria: Ambry Autosomal Dominant and X-Linked criteria (10/2015). Collection method: clinical testing. Allele origin: germline. Observed: 1 variant allele.
Comment: The p.R385C variant (also known as c.1153C>T), located in coding exon 10 of the NF1 gene, results from a C to T substitution at nucleotide position 1153. The arginine at codon 385 is replaced by cysteine, an amino acid with highly dissimilar properties. This variant was not reported in population based cohorts in the following databases: Database of Single Nucleotide Polymorphisms (dbSNP), NHLBI Exome Sequencing Project (ESP), and 1000 Genomes Project. In the ESP, this variant was not observed in 6503 samples (13006 alleles) with coverage at this position. To date, this alteration has been detected with an allele frequency of approximately 0.001% (greater than 110000alleles tested) in our clinical cohort.This amino acid position is highly conserved in available vertebrate species. In addition, this alteration is predicted to be deleterious by in silico analysis.Since supporting evidence is limited at this time, the clinical significance of p.R385Cremains unclear.